The following is an entry in ClinVar:

ClinVar aggregate classification (germline): Uncertain significance (1 of 4 stars; one submission).

Conditions:
Amyotrophic lateral sclerosis type 21. Also called: VOCAL CORD AND PHARYNGEAL DYSFUNCTION WITH DISTAL MYOPATHY; MYOPATHY, DISTAL, 2. Identifiers: Orphanet 600, Orphanet 803, MedGen C3807521, MONDO:0011632, OMIM 606070.

Submission:

Labcorp Genetics (formerly Invitae), Labcorp
Classification: Uncertain significance for Amyotrophic lateral sclerosis type 21. Last evaluated: 2022-01-15. Review status: criteria provided, single submitter. Criteria: Invitae Variant Classification Sherloc (09022015). Collection method: clinical testing. Allele origin: germline.
Comment: This variant has not been reported in the literature in individuals affected with MATR3-related conditions. In summary, the available evidence is currently insufficient to determine the role of this variant in disease. Therefore, it has been classified as a Variant of Uncertain Significance. Variants that disrupt the consensus splice site are a relatively common cause of aberrant splicing (PMID: 17576681, 9536098). Algorithms developed to predict the effect of sequence changes on RNA splicing suggest that this variant may disrupt the consensus splice site. This variant is not present in population databases (gnomAD no frequency). This sequence change falls in intron 9 of the MATR3 gene. It does not directly change the encoded amino acid sequence of the MATR3 protein. It affects a nucleotide within the consensus splice site.

Literature cited by the submitters: PubMed 17576681; PubMed 9536098.

NM_018834.6(MATR3):c.1182+4A>C

Gene: MATR3 (matrin 3; plus strand). Cytogenetic location: 5q31.2.
Variant type: single nucleotide variant.
Coding change: c.1182+4A>C on transcript NM_018834.6 (MANE Select); 4 bases into the intron after coding-DNA position 1182, A replaced by C.
Molecular consequence: intron variant.
Genome position (GRCh38, 1-based): chr5:139,317,109, A>C. VCF-style: chr5-139317109-A-C. GRCh37 (hg19) VCF-style: chr5-138652798-A-C.
Other names: c.1182+4A>C (NM_199189.3, NM_001194954.2, NM_001194955.2); c.168+4A>C (NM_001282278.2); c.318+4A>C (NM_001194956.2).
Identifiers: ClinVar variation 1400466 (VCV001400466.8), dbSNP rs2151988816, ClinGen allele CA2573139186.
Genomic context (GRCh38, chr5:139,317,109, plus strand): 5'-AAAGGTGCTGGAAATGGAAACCTGCAAGGACCTAGACACATGCAGAAAGGCAGAGTGGTC[A>C]GTAATGAAGCTTTTGGTTTTACTGTATTTATGATTTTTGGGAATATGATTTGACCTAAAT-3'